The following is an entry in ClinVar:

ClinVar aggregate classification (germline): Uncertain significance (1 of 4 stars; one submission).

Allele frequency attached by ClinVar (database versions not stated): gnomAD exomes below 0.00001.
gnomAD v4.1: 1 of 1,614,076 alleles (0.000062%); highest among the groups gnomAD compares: Non-Finnish European, 0.000085%; no homozygotes.

Submission:

Labcorp Genetics (formerly Invitae), Labcorp
Classification: Uncertain significance. Last evaluated: 2022-07-30. Review status: criteria provided, single submitter. Criteria: Invitae Variant Classification Sherloc (09022015). Collection method: clinical testing. Allele origin: germline.
Comment: In summary, the available evidence is currently insufficient to determine the role of this variant in disease. Therefore, it has been classified as a Variant of Uncertain Significance. Algorithms developed to predict the effect of missense changes on protein structure and function are either unavailable or do not agree on the potential impact of this missense change (SIFT: "Deleterious"; PolyPhen-2: "Not Available"; Align-GVGD: "Class C65"). This variant has not been reported in the literature in individuals affected with CDH23-related conditions. This variant is not present in population databases (gnomAD no frequency). This sequence change replaces alanine, which is neutral and non-polar, with serine, which is neutral and polar, at codon 2435 of the CDH23 protein (p.Ala2435Ser).

NM_022124.6(CDH23):c.7303G>T (p.Ala2435Ser)

Gene: CDH23 (cadherin related 23; plus strand). Cytogenetic location: 10q22.1.
Variant type: single nucleotide variant.
Coding change: c.7303G>T on transcript NM_022124.6 (MANE Select); coding-DNA position 7303, G replaced by T.
Protein change: p.Ala2435Ser; replaces alanine 2435 with serine.
Molecular consequence: missense variant.
Genome position (GRCh38, 1-based): chr10:71,799,570, G>T. VCF-style: chr10-71799570-G-T. GRCh37 (hg19) VCF-style: chr10-73559327-G-T.
Other names: c.583G>T, p.Ala195Ser (NM_001171933.1, NM_001171934.1); short protein forms A195S, A2435S.
Identifiers: ClinVar variation 2085428 (VCV002085428.4), dbSNP rs2494405299, ClinGen allele CA377159449.